The following is an entry in ClinVar:

ClinVar aggregate classification (germline): Uncertain significance. Review status: criteria provided, multiple submitters, no conflicts (2 of 4 stars). 2 submissions from 2 submitters: Uncertain significance (2). Last evaluated 2024-06-03.

Conditions:
Inborn genetic diseases. Identifiers: MedGen C0950123, MeSH D030342.

Allele frequency attached by ClinVar (database versions not stated): TOPMed below 0.00001.
gnomAD v4.1: 1 of 1,551,234 alleles (0.000064%); highest among the groups gnomAD compares: Non-Finnish European, 0.000087%; no homozygotes.

Submissions (2):

Ambry Genetics
Classification: Uncertain significance for Inborn genetic diseases. Last evaluated: 2024-06-03. Review status: criteria provided, single submitter. Criteria: Ambry Variant Classification Scheme 2023. Collection method: clinical testing. Allele origin: germline.

Labcorp Genetics (formerly Invitae), Labcorp
Classification: Uncertain significance. Last evaluated: 2024-01-02. Review status: criteria provided, single submitter. Criteria: Invitae Variant Classification Sherloc (09022015). Collection method: clinical testing. Allele origin: germline.
Comment: This sequence change replaces threonine, which is neutral and polar, with arginine, which is basic and polar, at codon 1406 of the EYS protein (p.Thr1406Arg). This variant is not present in population databases (gnomAD no frequency). This variant has not been reported in the literature in individuals affected with EYS-related conditions. ClinVar contains an entry for this variant (Variation ID: 1911897). Advanced modeling of protein sequence and biophysical properties (such as structural, functional, and spatial information, amino acid conservation, physicochemical variation, residue mobility, and thermodynamic stability) has been performed at Invitae for this missense variant, however the output from this modeling did not meet the statistical confidence thresholds required to predict the impact of this variant on EYS protein function. In summary, the available evidence is currently insufficient to determine the role of this variant in disease. Therefore, it has been classified as a Variant of Uncertain Significance.

NM_001142800.2(EYS):c.4217C>G (p.Thr1406Arg)

Gene: EYS (EGF-like photoreceptor maintenance factor; minus strand). Cytogenetic location: 6q12.
Variant type: single nucleotide variant.
Coding change: c.4217C>G on transcript NM_001142800.2 (MANE Select); coding-DNA position 4217, C replaced by G.
Protein change: p.Thr1406Arg; replaces threonine 1406 with arginine.
Molecular consequence: missense variant.
Genome position (GRCh38, 1-based): chr6:64,591,650, G>C on the plus strand (C>G on the coding strand, the complement: EYS is on the minus strand). VCF-style: chr6-64591650-G-C. GRCh37 (hg19) VCF-style: chr6-65301543-G-C.
Other names: c.4217C>G, p.Thr1406Arg (NM_001292009.2); c.4217C>G (NM_001142800.1); short protein forms T1406R.
Identifiers: ClinVar variation 1911897 (VCV001911897.6), dbSNP rs1766414267, ClinGen allele CA364783793.